The following is an entry in ClinVar:

NM_000038.6(APC):c.6032C>T (p.Ser2011Leu)

Gene: APC (APC regulator of Wnt signaling pathway; plus strand). Cytogenetic location: 5q22.2.
Variant type: single nucleotide variant.
Coding change: c.6032C>T on transcript NM_000038.6 (MANE Select); coding-DNA position 6032, C replaced by T.
Protein change: p.Ser2011Leu; replaces serine 2011 with leucine.
Molecular consequence: missense variant.
Genome position (GRCh38, 1-based): chr5:112,841,626, C>T. VCF-style: chr5-112841626-C-T. GRCh37 (hg19) VCF-style: chr5-112177323-C-T.
Other names: c.6032C>T, p.Ser2011Leu (NM_001127510.3, NM_001354895.2); c.5978C>T, p.Ser1993Leu (NM_001127511.3); c.6086C>T, p.Ser2029Leu (NM_001354896.2); c.6062C>T, p.Ser2021Leu (NM_001354897.2); c.5957C>T, p.Ser1986Leu (NM_001354898.2); c.5948C>T, p.Ser1983Leu (NM_001354899.2); c.5909C>T, p.Ser1970Leu (NM_001354900.2); c.5855C>T, p.Ser1952Leu (NM_001354901.2); and 5 more; short protein forms S2011L, S1993L, S1970L, S1983L, S2021L, S1952L, S1986L, S2029L.
Identifiers: ClinVar variation 482280 (VCV000482280.21), dbSNP rs1554087155, ClinGen allele CA16034531.

ClinVar aggregate classification (germline): Uncertain significance. Review status: criteria provided, multiple submitters, no conflicts (2 of 4 stars). 3 submissions from 3 submitters: Uncertain significance (3). Last evaluated 2025-08-12.

Conditions:
Hereditary cancer-predisposing syndrome. Also called: Neoplastic Syndromes, Hereditary; Tumor predisposition; Hereditary Cancer Syndrome; Hereditary neoplastic syndrome. Identifiers: Orphanet 140162, MedGen C0027672, MeSH D009386, MONDO:0015356.
Familial adenomatous polyposis 1 (FAP1). Also called: FAMILIAL ADENOMATOUS POLYPOSIS 1, ATTENUATED; POLYPOSIS, ADENOMATOUS INTESTINAL. Identifiers: MedGen C2713442, MONDO:0021056, OMIM 175100. Disease mechanism: loss of function.

Allele frequency attached by ClinVar (database versions not stated): gnomAD exomes below 0.00001.
gnomAD v4.1: 2 of 1,613,280 alleles (0.00012%); highest among the groups gnomAD compares: Non-Finnish European, 0.00017%; no homozygotes.

Submissions (3):

Color Diagnostics, LLC DBA Color Health
Classification: Uncertain significance for Hereditary cancer-predisposing syndrome. Last evaluated: 2025-08-12. Review status: criteria provided, single submitter. Criteria: ACMG Guidelines, 2015. Collection method: clinical testing. Allele origin: germline.
Comment: This missense variant replaces serine with leucine at codon 2011 of the APC protein. Computational prediction is inconclusive regarding the impact of this variant on protein structure and function. To our knowledge, functional studies have not been reported for this variant. This variant has not been reported in individuals affected with APC-related disorders in the literature. This variant has not been identified in the general population by the Genome Aggregation Database (gnomAD). The available evidence is insufficient to determine the role of this variant in disease conclusively. Therefore, this variant is classified as a Variant of Uncertain Significance.

Ambry Genetics
Classification: Uncertain significance for Hereditary cancer-predisposing syndrome. Last evaluated: 2023-11-13. Review status: criteria provided, single submitter. Criteria: Ambry Variant Classification Scheme 2023. Collection method: clinical testing. Allele origin: germline.
Comment: The p.S2011L variant (also known as c.6032C>T), located in coding exon 15 of the APC gene, results from a C to T substitution at nucleotide position 6032. The serine at codon 2011 is replaced by leucine, an amino acid with dissimilar properties. This amino acid position is well conserved in available vertebrate species. In addition, in silico predictors for this gene do not accurately predict pathogenicity. Since supporting evidence is limited at this time, the clinical significance of this alteration remains unclear.

Labcorp Genetics (formerly Invitae), Labcorp
Classification: Uncertain significance for Familial adenomatous polyposis 1. Last evaluated: 2023-05-20. Review status: criteria provided, single submitter. Criteria: Invitae Variant Classification Sherloc (09022015). Collection method: clinical testing. Allele origin: germline.
Comment: Advanced modeling of protein sequence and biophysical properties (such as structural, functional, and spatial information, amino acid conservation, physicochemical variation, residue mobility, and thermodynamic stability) performed at Invitae indicates that this missense variant is not expected to disrupt APC protein function. ClinVar contains an entry for this variant (Variation ID: 482280). This variant has not been reported in the literature in individuals affected with APC-related conditions. This variant is not present in population databases (gnomAD no frequency). This sequence change replaces serine, which is neutral and polar, with leucine, which is neutral and non-polar, at codon 2011 of the APC protein (p.Ser2011Leu). In summary, the available evidence is currently insufficient to determine the role of this variant in disease. Therefore, it has been classified as a Variant of Uncertain Significance.